The following is an entry in ClinVar:

ClinVar aggregate classification (germline): Benign/Likely benign. Review status: criteria provided, multiple submitters, no conflicts (2 of 4 stars). 4 submissions from 4 submitters: Benign (1); Likely benign (2). 1 of the submissions does not count toward it. Last evaluated 2025-11-13.

Conditions:
CD151-related disorder. Also called: CD151-related condition.

Allele frequency attached by ClinVar (database versions not stated): ESP Exome Variant Server 0.00008; gnomAD 0.00009 and 0.00035; TOPMed 0.00010; gnomAD exomes 0.00054 and 0.00103; ExAC 0.00121; 1000 Genomes Project 30x 0.00141; 1000 Genomes Project 0.00180.

Submissions (4):

Labcorp Genetics (formerly Invitae), Labcorp
Classification: Benign. Last evaluated: 2025-11-13. Review status: criteria provided, single submitter. Criteria: Invitae Variant Classification Sherloc (09022015). Collection method: clinical testing. Allele origin: germline.

Blueprint Genetics
Classification: Likely benign. Last evaluated: 2024-10-15. Review status: criteria provided, single submitter. Criteria: ACMG Guidelines, 2015. Collection method: clinical testing. Allele origin: germline.

CeGaT Center for Human Genetics Tuebingen
Classification: Likely benign. Last evaluated: 2023-07-01. Review status: criteria provided, single submitter. Criteria: CeGaT Center For Human Genetics Tuebingen Variant Classification Criteria Version 2. Collection method: clinical testing. Allele origin: germline. Affected: yes. Observed: 1 variant allele.
Comment: CD151: BS2

PreventionGenetics, part of Exact Sciences
Classification: Likely benign for CD151-related condition. Last evaluated: 2019-03-20. Review status: no assertion criteria provided. Collection method: clinical testing. Allele origin: germline. Not counted in ClinVar's aggregate classification.
Comment: This variant is classified as likely benign based on ACMG/AMP sequence variant interpretation guidelines (Richards et al. 2015 PMID: 25741868, with internal and published modifications).

NM_004357.5(CD151):c.23A>C (p.Lys8Thr)

Gene: CD151 (CD151 molecule (Raph blood group); plus strand). Cytogenetic location: 11p15.5.
Variant type: single nucleotide variant.
Coding change: c.23A>C on transcript NM_004357.5 (MANE Select); coding-DNA position 23, A replaced by C.
Protein change: p.Lys8Thr; replaces lysine 8 with threonine.
Molecular consequence: missense variant.
Genome position (GRCh38, 1-based): chr11:836,092, A>C. VCF-style: chr11-836092-A-C. GRCh37 (hg19) VCF-style: chr11-836092-A-C.
Other names: c.23A>C, p.Lys8Thr (NM_001039490.2, NM_139029.2, NM_139030.4); short protein forms K8T.
Identifiers: ClinVar variation 750620 (VCV000750620.35), dbSNP rs199816860, ClinGen allele CA5792012.
Genomic context (GRCh38, chr11:836,092, plus strand): 5'-GGCCCCGCTGACCCCTCCCCTGCCTCCTCAGCCCCAGGATGGGTGAGTTCAACGAGAAGA[A>C]GACAACATGTGGCACCGTTTGCCTCAAGTACCTGCTGTTTACCTACAATTGCTGCTTCTG-3'
Protein context (NP_004348.2, residues 1-18): MGEFNEK[Lys8Thr]TTCGTVCLKY